The following is an entry in ClinVar:

ClinVar aggregate classification (germline): Uncertain significance (1 of 4 stars; one submission).

Allele frequency attached by ClinVar (database versions not stated): gnomAD exomes below 0.00001; TOPMed below 0.00001; gnomAD 0.00001.
gnomAD v4.1: 2 of 1,209,889 alleles (0.00017%); highest among the groups gnomAD compares: Non-Finnish European, 0.00022%; no homozygotes.

Submission:

GeneDx
Classification: Uncertain significance. Last evaluated: 2025-09-19. Review status: criteria provided, single submitter. Criteria: GeneDx Variant Classification Process June 2021. Collection method: clinical testing. Allele origin: germline. Affected: yes.
Comment: Has not been previously published as pathogenic or benign to our knowledge; Not observed at significant frequency in large population cohorts (gnomAD); In silico analysis supports that this missense variant has a deleterious effect on protein structure/function

NM_001830.4(CLCN4):c.199G>T (p.Ala67Ser)

Gene: CLCN4 (chloride voltage-gated channel 4; plus strand). Cytogenetic location: Xp22.2.
Variant type: single nucleotide variant.
Coding change: c.199G>T on transcript NM_001830.4 (MANE Select); coding-DNA position 199, G replaced by T.
Protein change: p.Ala67Ser; replaces alanine 67 with serine.
Molecular consequence: missense variant. On other transcripts: intron variant (1).
Genome position (GRCh38, 1-based): chrX:10,187,569, G>T. VCF-style: chrX-10187569-G-T. GRCh37 (hg19) VCF-style: chrX-10155609-G-T.
Other names: c.-38-7342G>T (NM_001256944.2); short protein forms A67S.
Identifiers: ClinVar variation 2572910 (VCV002572910.2), dbSNP rs1923845645, ClinGen allele CA412032805.